The following is an entry in ClinVar:

ClinVar aggregate classification (germline): Uncertain significance. Review status: criteria provided, multiple submitters, no conflicts (2 of 4 stars). 4 submissions from 4 submitters: Uncertain significance (4). Last evaluated 2026-02-02.

Conditions:
Hereditary cancer-predisposing syndrome. Also called: Hereditary neoplastic syndrome; Tumor predisposition; Neoplastic Syndromes, Hereditary; Hereditary Cancer Syndrome. Identifiers: Orphanet 140162, MedGen C0027672, MeSH D009386, MONDO:0015356.
Tuberous sclerosis syndrome (TSC). Also called: Tuberous Sclerosis Complex; Tuberous sclerosis. Identifiers: Orphanet 805, MedGen C0041341, MONDO:0001734.
Tuberous sclerosis 2 (TSC2). Identifiers: Orphanet 805, MedGen C1860707, MONDO:0013199, OMIM 613254.

Submissions (4):

Labcorp Genetics (formerly Invitae), Labcorp
Classification: Uncertain significance for Tuberous sclerosis 2. Last evaluated: 2026-02-02. Review status: criteria provided, single submitter. Criteria: Invitae Variant Classification Sherloc (09022015). Collection method: clinical testing. Allele origin: germline.
Comment: This sequence change replaces lysine, which is basic and polar, with asparagine, which is neutral and polar, at codon 657 of the TSC2 protein (p.Lys657Asn). This variant is not present in population databases (gnomAD no frequency). This variant has not been reported in the literature in individuals affected with TSC2-related conditions. ClinVar contains an entry for this variant (Variation ID: 957721). Invitae Evidence Modeling of protein sequence and biophysical properties (such as structural, functional, and spatial information, amino acid conservation, physicochemical variation, residue mobility, and thermodynamic stability) indicates that this missense variant is not expected to disrupt TSC2 protein function with a negative predictive value of 95%. Algorithms developed to predict the effect of sequence changes on RNA splicing suggest that this variant may create or strengthen a splice site. In summary, the available evidence is currently insufficient to determine the role of this variant in disease. Therefore, it has been classified as a Variant of Uncertain Significance.

Ambry Genetics
Classification: Uncertain significance for Hereditary cancer-predisposing syndrome. Last evaluated: 2024-04-23. Review status: criteria provided, single submitter. Criteria: Ambry Variant Classification Scheme 2023. Collection method: clinical testing. Allele origin: germline.
Comment: The p.K657N variant (also known as c.1971G>C), located in coding exon 18 of the TSC2 gene, results from a G to C substitution at nucleotide position 1971. The lysine at codon 657 is replaced by asparagine, an amino acid with similar properties. This amino acid position is conserved. In addition, the in silico prediction for this alteration is inconclusive. Based on the available evidence, the clinical significance of this variant remains unclear.

All of Us Research Program, National Institutes of Health
Classification: Uncertain significance for Tuberous sclerosis syndrome. Last evaluated: 2024-02-22. Review status: criteria provided, single submitter. Criteria: ACMG Guidelines, 2015. Collection method: clinical testing. Allele origin: germline. Inheritance: Autosomal dominant inheritance. Observed: 1 variant allele, 1 heterozygote.
Comment: This missense variant replaces lysine with asparagine at codon 657 of the TSC2 protein. Computational prediction suggests that this variant may not impact protein structure and function (internally defined REVEL score threshold <= 0.5, PMID: 27666373). To our knowledge, functional studies have not been reported for this variant. This variant has not been reported in individuals affected with TSC2-related disorders in the literature. This variant has not been identified in the general population by the Genome Aggregation Database (gnomAD). The available evidence is insufficient to determine the role of this variant in disease conclusively. Therefore, this variant is classified as a Variant of Uncertain Significance.

This study involves interpretation of variants in research participants for the purpose of population health screening. Participant phenotype was not available at the time of variant classification. Additional details can be found in publication PMID: 35346344, PMCID: PMC8962531

GeneDx
Classification: Uncertain significance. Last evaluated: 2023-08-28. Review status: criteria provided, single submitter. Criteria: GeneDx Variant Classification Process June 2021. Collection method: clinical testing. Allele origin: germline. Affected: yes.
Comment: Not observed at significant frequency in large population cohorts (gnomAD); In silico analysis supports that this missense variant does not alter protein structure/function; Has not been previously published as pathogenic or benign to our knowledge; This variant is associated with the following publications: (PMID: 35980750)

NM_000548.5(TSC2):c.1971G>C (p.Lys657Asn)

Gene: TSC2 (TSC complex subunit 2; plus strand). Cytogenetic location: 16p13.3.
Variant type: single nucleotide variant.
Coding change: c.1971G>C on transcript NM_000548.5 (MANE Select); coding-DNA position 1971, G replaced by C.
Protein change: p.Lys657Asn; replaces lysine 657 with asparagine.
Molecular consequence: missense variant.
Genome position (GRCh38, 1-based): chr16:2,071,808, G>C. VCF-style: chr16-2071808-G-C. GRCh37 (hg19) VCF-style: chr16-2121809-G-C.
Other names: c.1971G>C, p.Lys657Asn (NM_001077183.3, NM_001114382.3, NM_001363528.2 and 3 more transcripts); c.1860G>C, p.Lys620Asn (NM_001318827.2); c.1824G>C, p.Lys608Asn (NM_001318829.2); c.1371G>C, p.Lys457Asn (NM_001318831.2); c.2004G>C, p.Lys668Asn (NM_001318832.2); short protein forms K668N, K608N, K457N, K620N, K657N.
Identifiers: ClinVar variation 957721 (VCV000957721.12), dbSNP rs1596344117, ClinGen allele CA394274336.